The following is an entry in ClinVar:

NM_001267550.2(TTN):c.65187G>A (p.Glu21729=)

Genes: TTN (titin; minus strand), TTN-AS1 (TTN antisense RNA 1; plus strand). Cytogenetic location: 2q31.2.
Variant type: single nucleotide variant.
Coding change: c.65187G>A on transcript NM_001267550.2 (MANE Select); coding-DNA position 65187, G replaced by A.
Protein change: p.Glu21729=; no amino-acid change (glutamic acid 21729 retained).
Molecular consequence: synonymous variant.
Genome position (GRCh38, 1-based): chr2:178,584,364, C>T on the plus strand (G>A on the coding strand, the complement: TTN is on the minus strand). VCF-style: chr2-178584364-C-T. GRCh37 (hg19) VCF-style: chr2-179449091-C-T.
Other names: c.57483G>A, p.Glu19161= (NM_133378.4); c.60264G>A, p.Glu20088= (NM_001256850.1); c.37992G>A, p.Glu12664= (NM_003319.4); c.38367G>A, p.Glu12789= (NM_133432.3); c.38568G>A, p.Glu12856= (NM_133437.4).
Identifiers: ClinVar variation 47219 (VCV000047219.21), dbSNP rs397517660, ClinGen allele CA140377.
Genomic context (GRCh38, chr2:178,584,364, plus strand): 5'-TGTGGGTTTGCTGGGTGGGCTGGATCCAGCTTTGTTTAGGGCATAGATTCTGAATGAATA[C>T]TCAAGACCTTCTACAAGGCCAGCACAAGGATATTCAGTTGACCGGACAAGAGTATCATTG-3'
Protein context (NP_001254479.2, residues 21719-21739): YPCAGLVEGL[Glu21729=]YSFRIYALNK

ClinVar aggregate classification (germline): Conflicting classifications of pathogenicity. Review status: criteria provided, conflicting classifications (1 of 4 stars). 8 submissions from 8 submitters: Uncertain significance (1); Benign (1); Likely benign (4). 2 of the submissions do not count toward it. Last evaluated 2025-08-05.

Conditions:
Cardiovascular phenotype. Identifiers: MedGen CN230736.
Autosomal recessive limb-girdle muscular dystrophy type 2J (LGMDR10). Also called: Limb-girdle muscular dystrophy, type 2J; MUSCULAR DYSTROPHY, LIMB-GIRDLE, AUTOSOMAL RECESSIVE 10. Identifiers: Orphanet 140922, MedGen C1837342, MONDO:0012127, OMIM 608807.
Dilated cardiomyopathy 1G (CMD1G). Identifiers: Orphanet 154, MedGen C1858763, MONDO:0011400, OMIM 604145.
Cardiomyopathy (CMYO). Also called: Cardiomyopathies. Identifiers: Orphanet 167848, MedGen C0878544, MONDO:0004994, HP:0001638. Inheritance: Various modes of inheritance.

Allele frequency attached by ClinVar (database versions not stated): ExAC 0.00017; 1000 Genomes Project 30x 0.00031; 1000 Genomes Project 0.00040; gnomAD below 0.00001 and 0.00003; gnomAD exomes 0.00007 and 0.00015.
gnomAD v4.1: 113 of 1,613,242 alleles (0.007%); highest among the groups gnomAD compares: South Asian, 0.12%; no homozygotes.

Submissions (8):

Labcorp Genetics (formerly Invitae), Labcorp
Classification: Likely benign for Dilated cardiomyopathy 1G; Autosomal recessive limb-girdle muscular dystrophy type 2J. Last evaluated: 2025-08-05. Review status: criteria provided, single submitter. Criteria: Invitae Variant Classification Sherloc (09022015). Collection method: clinical testing. Allele origin: germline.

Blueprint Genetics
Classification: Likely benign. Last evaluated: 2024-04-20. Review status: criteria provided, single submitter. Criteria: ACMG Guidelines, 2015. Collection method: clinical testing. Allele origin: germline.

Ambry Genetics
Classification: Likely benign for Cardiovascular phenotype. Last evaluated: 2024-02-29. Review status: criteria provided, single submitter. Criteria: Ambry Variant Classification Scheme 2023. Collection method: clinical testing. Allele origin: germline.

CHEO Genetics Diagnostic Laboratory, Children's Hospital of Eastern Ontario
Classification: Benign for Cardiomyopathy. Last evaluated: 2017-11-02. Review status: criteria provided, single submitter. Criteria: ACMG Guidelines, 2015. Collection method: clinical testing. Allele origin: germline.

Genetic Services Laboratory, University of Chicago
Classification: Uncertain significance. Last evaluated: 2015-04-04. Review status: criteria provided, single submitter. Criteria: ACMG Guidelines, 2015. Collection method: clinical testing. Allele origin: germline.

Laboratory for Molecular Medicine, Mass General Brigham Personalized Medicine
Classification: Likely benign. Last evaluated: 2012-05-17. Review status: criteria provided, single submitter. Criteria: LMM Criteria. Collection method: clinical testing. Allele origin: germline. Observed: 2 variant alleles.
Comment: Glu19161Glu in exon 260 of TTN: This variant is not expected to have clinical si gnificance because it does not alter an amino acid residue and is not located wi thin the splice consensus sequence. Glu19161Glu in exon 260 of TTN (allele fre quency = n/a)

Clinical Genetics DNA and cytogenetics Diagnostics Lab, Erasmus MC, Erasmus Medical Center
Classification: Likely benign. Review status: no assertion criteria provided. Collection method: clinical testing. Allele origin: germline. Affected: yes. Study: VKGL Data-share Consensus. Not counted in ClinVar's aggregate classification.

Clinical Genetics, Academic Medical Center
Classification: Benign. Review status: no assertion criteria provided. Collection method: clinical testing. Allele origin: germline. Affected: yes. Study: VKGL Data-share Consensus. Not counted in ClinVar's aggregate classification.